The following is an entry in ClinVar:

ClinVar aggregate classification (germline): Likely pathogenic (0 of 4 stars; one submission).

Conditions:
PEX1-related disorder. Also called: PEX1-related condition.

Submission:

PreventionGenetics, part of Exact Sciences
Classification: Likely pathogenic for PEX1-related condition. Last evaluated: 2024-09-03. Review status: no assertion criteria provided. Collection method: clinical testing. Allele origin: germline.
Comment: The PEX1 c.3507delG variant is predicted to result in a frameshift and premature protein termination (p.Gln1169Hisfs*9). To our knowledge, this variant has not been reported in the literature or in a large population database, indicating this variant is rare. Frameshift variants in PEX1 are expected to be pathogenic. This variant is interpreted as likely pathogenic.

NM_000466.3(PEX1):c.3507del (p.Gln1169fs)

Genes: GATAD1 (GATA zinc finger domain containing 1; plus strand), PEX1 (peroxisomal biogenesis factor 1; minus strand). Cytogenetic location: 7q21.2.
Variant type: Deletion.
Coding change: c.3507del on transcript NM_000466.3 (MANE Select); coding-DNA position 3507, one base deleted (G; older notation c.3507delG).
Protein change: p.Gln1169fs; shifts the reading frame from glutamine 1169.
Molecular consequence: frameshift variant.
Genome position (GRCh38, 1-based): chr7:92,489,843, C deleted on the plus strand (G on the coding strand, the reverse complement: PEX1 is on the minus strand). VCF-style (leftmost placement, unchanged base first): chr7-92489842-AC-A. GRCh37 (hg19) VCF-style: chr7-92119156-AC-A.
Other names: c.3336del, p.Gln1112fs (NM_001282677.2); c.2883del, p.Gln961fs (NM_001282678.2); short protein forms Q1112fs, Q1169fs, Q961fs.
Identifiers: ClinVar variation 2632274 (VCV002632274.2), dbSNP rs2484613304, ClinGen allele CA2695199554.